The following is an entry in ClinVar:

ClinVar aggregate classification (germline): Uncertain significance (1 of 4 stars; one submission).

Conditions:
Microcephaly-intellectual disability-sensorineural hearing loss-epilepsy-abnormal muscle tone syndrome (NEDHSB). Also called: NEURODEVELOPMENTAL DISORDER WITH HEARING LOSS, SEIZURES, AND BRAIN ABNORMALITIES. Identifiers: Orphanet 457351, MedGen C4225276, MONDO:0014698, OMIM 616577.

Allele frequency attached by ClinVar (database versions not stated): gnomAD 0.00001; TOPMed 0.00002; ExAC 0.00004.
gnomAD v4.1: 11 of 1,594,816 alleles (0.00069%); highest among the groups gnomAD compares: East Asian, 0.0023%; no homozygotes.

Submission:

Labcorp Genetics (formerly Invitae), Labcorp
Classification: Uncertain significance for Microcephaly-intellectual disability-sensorineural hearing loss-epilepsy-abnormal muscle tone syndrome. Last evaluated: 2021-08-27. Review status: criteria provided, single submitter. Criteria: Invitae Variant Classification Sherloc (09022015). Collection method: clinical testing. Allele origin: germline.
Comment: This sequence change falls in intron 7 of the SPATA5 gene. It does not directly change the encoded amino acid sequence of the SPATA5 protein. It affects a nucleotide within the consensus splice site of the intron. This variant is present in population databases (rs777914304, ExAC 0.007%). This variant has not been reported in the literature in individuals affected with SPATA5-related conditions. Variants that disrupt the consensus splice site are a relatively common cause of aberrant splicing (PMID: 17576681, 9536098). Algorithms developed to predict the effect of sequence changes on RNA splicing suggest that this variant may disrupt the consensus splice site. In summary, the available evidence is currently insufficient to determine the role of this variant in disease. Therefore, it has been classified as a Variant of Uncertain Significance.

Literature cited by the submitters: PubMed 17576681; PubMed 9536098.

NM_145207.3(AFG2A):c.1334+4C>T

Gene: AFG2A (AFG2 AAA ATPase homolog A; plus strand). Cytogenetic location: 4q28.1.
Variant type: single nucleotide variant.
Coding change: c.1334+4C>T on transcript NM_145207.3 (MANE Select); 4 bases into the intron after coding-DNA position 1334, C replaced by T.
Molecular consequence: intron variant.
Genome position (GRCh38, 1-based): chr4:122,936,160, C>T. VCF-style: chr4-122936160-C-T. GRCh37 (hg19) VCF-style: chr4-123857315-C-T.
Other names: c.1331+4C>T (NM_001345856.2, NM_001317799.2).
Identifiers: ClinVar variation 2197167 (VCV002197167.1), dbSNP rs777914304, ClinGen allele CA3070428.